The following is an entry in ClinVar:

NM_001256317.3(TMPRSS3):c.516C>A (p.Ile172=)

Gene: TMPRSS3 (transmembrane serine protease 3; minus strand). Cytogenetic location: 21q22.3.
Variant type: single nucleotide variant.
Coding change: c.516C>A on transcript NM_001256317.3 (MANE Select); coding-DNA position 516, C replaced by A.
Protein change: p.Ile172=; no amino-acid change (isoleucine 172 retained).
Molecular consequence: synonymous variant.
Genome position (GRCh38, 1-based): chr21:42,385,465, G>T on the plus strand (C>A on the coding strand, the complement: TMPRSS3 is on the minus strand). VCF-style: chr21-42385465-G-T. GRCh37 (hg19) VCF-style: chr21-43805574-G-T.
Other names: c.516C>A, p.Ile172= (NM_024022.4, NM_032405.2); c.135C>A, p.Ile45= (NM_032404.3).
Identifiers: ClinVar variation 5001885 (VCV005001885.1).

ClinVar aggregate classification (germline): Likely benign (1 of 4 stars; one submission).

Conditions:
TMPRSS3-related disorder. Also called: TMPRSS3-related condition.

gnomAD v4.1: 106 of 1,614,004 alleles (0.0066%); highest among the groups gnomAD compares: Admixed American, 0.023%; 1 homozygote.

Submission:

PreventionGenetics, part of Exact Sciences
Classification: Likely benign for TMPRSS3-related condition. Last evaluated: 2024-12-13. Review status: criteria provided, single submitter. Criteria: ACMG Guidelines, 2015. Collection method: clinical testing. Allele origin: germline.
Comment: This variant is classified as likely benign based on ACMG/AMP sequence variant interpretation guidelines (Richards et al. 2015 PMID: 25741868, with internal and published modifications).